The following is an entry in ClinVar:

NM_005120.3(MED12):c.4416-73T>C

Gene: MED12 (mediator complex subunit 12; plus strand). Cytogenetic location: Xq13.1.
Variant type: single nucleotide variant.
Coding change: c.4416-73T>C on transcript NM_005120.3 (MANE Select); 73 bases into the intron before coding-DNA position 4416, T replaced by C.
Molecular consequence: intron variant.
Genome position (GRCh38, 1-based): chrX:71,132,772, T>C. VCF-style: chrX-71132772-T-C. GRCh37 (hg19) VCF-style: chrX-70352622-T-C.
Identifiers: ClinVar variation 2660846 (VCV002660846.24), dbSNP rs199799788, ClinGen allele CA330981978.

ClinVar aggregate classification (germline): Likely benign (1 of 4 stars; one submission).

Allele frequency attached by ClinVar (database versions not stated): gnomAD 0.00039.

Submission:

CeGaT Center for Human Genetics Tuebingen
Classification: Likely benign. Last evaluated: 2023-03-01. Review status: criteria provided, single submitter. Criteria: CeGaT Center For Human Genetics Tuebingen Variant Classification Criteria Version 2. Collection method: clinical testing. Allele origin: germline. Affected: yes. Observed: 4 variant alleles.
Comment: MED12: BS2